The following is an entry in ClinVar:

NM_000540.3(RYR1):c.6318C>A (p.Ala2106=)

Gene: RYR1 (ryanodine receptor 1; plus strand). Cytogenetic location: 19q13.2.
Variant type: single nucleotide variant.
Coding change: c.6318C>A on transcript NM_000540.3 (MANE Select); coding-DNA position 6318, C replaced by A.
Protein change: p.Ala2106=; no amino-acid change (alanine 2106 retained).
Molecular consequence: synonymous variant.
Genome position (GRCh38, 1-based): chr19:38,494,395, C>A. VCF-style: chr19-38494395-C-A. GRCh37 (hg19) VCF-style: chr19-38985035-C-A.
Other names: c.6318C>A, p.Ala2106= (NM_001042723.2).
Identifiers: ClinVar variation 329047 (VCV000329047.14), dbSNP rs769443054, ClinGen allele CA068067.

ClinVar aggregate classification (germline): Likely benign. Review status: criteria provided, multiple submitters, no conflicts (2 of 4 stars). 3 submissions from 3 submitters: Likely benign (3). Last evaluated 2025-11-03.

Conditions:
RYR1-related disorder. Also called: RYR1-related condition; RYR1-related disorders. Identifiers: MedGen CN239331.
Malignant hyperthermia, susceptibility to, 1 (MHS1). Also called: Anesthesia related hyperthermia; Malignant hyperpyrexia; Fulminating hyperpyrexia; Pharmacogenic myopathy; RYR1-Related Malignant Hyperthermia Susceptibility; Malignant hyperthermia suceptibility 1. Identifiers: Orphanet 423, MedGen C2930980, MONDO:0007783, OMIM 145600.

Allele frequency attached by ClinVar (database versions not stated): TOPMed below 0.00001; ExAC 0.00001; gnomAD exomes 0.00003.
gnomAD v4.1: 10 of 1,611,864 alleles (0.00062%); highest among the groups gnomAD compares: Admixed American, 0.017%; no homozygotes.

Submissions (3):

Labcorp Genetics (formerly Invitae), Labcorp
Classification: Likely benign for RYR1-related disorder. Last evaluated: 2025-11-03. Review status: criteria provided, single submitter. Criteria: Invitae Variant Classification Sherloc (09022015). Collection method: clinical testing. Allele origin: germline.

All of Us Research Program, National Institutes of Health
Classification: Likely benign for Malignant hyperthermia, susceptibility to, 1. Last evaluated: 2024-09-17. Review status: criteria provided, single submitter. Criteria: ACMG Guidelines, 2015. Collection method: clinical testing. Allele origin: germline. Inheritance: Autosomal dominant inheritance. Observed: 2 variant alleles, 2 heterozygotes.
Comment: This study involves interpretation of variants in research participants for the purpose of population health screening. Participant phenotype was not available at the time of variant classification. Additional details can be found in publication PMID: 35346344, PMCID: PMC8962531

Color Diagnostics, LLC DBA Color Health
Classification: Likely benign for Malignant hyperthermia, susceptibility to, 1. Last evaluated: 2024-04-10. Review status: criteria provided, single submitter. Criteria: ACMG Guidelines, 2015. Collection method: clinical testing. Allele origin: germline.